The following is an entry in ClinVar:

ClinVar aggregate classification (germline): Pathogenic (1 of 4 stars; one submission).

Conditions:
Hereditary breast ovarian cancer syndrome. Also called: Hereditary breast and ovarian cancer syndrome (HBOC); Breast and ovarian cancer; Hereditary breast and ovarian cancer syndrome; Hereditary breast and/or ovarian cancer syndrome; BRCA1- and BRCA2-Associated Hereditary Breast and Ovarian Cancer; Hereditary breast and ovarian cancer. Identifiers: Orphanet 145, MedGen C0677776, MeSH D061325, MONDO:0003582. Disease mechanism: loss of function.

Submission:

Labcorp Genetics (formerly Invitae), Labcorp
Classification: Pathogenic for Hereditary breast ovarian cancer syndrome. Last evaluated: 2021-01-27. Review status: criteria provided, single submitter. Criteria: Invitae Variant Classification Sherloc (09022015). Collection method: clinical testing. Allele origin: germline.
Comment: This sequence change creates a premature translational stop signal (p.Ser2522Leufs*2) in the BRCA2 gene. It is expected to result in an absent or disrupted protein product. Loss-of-function variants in BRCA2 are known to be pathogenic (PMID: 20104584). For these reasons, this variant has been classified as Pathogenic. This variant has not been reported in the literature in individuals with BRCA2-related conditions. This variant is not present in population databases (ExAC no frequency).

Literature cited by the submitters: PubMed 20104584.

NM_000059.4(BRCA2):c.7563del (p.Ser2522fs)

Gene: BRCA2 (BRCA2 DNA repair associated; plus strand). Cytogenetic location: 13q13.1.
Variant type: Deletion.
Coding change: c.7563del on transcript NM_000059.4 (MANE Select); coding-DNA position 7563, one base deleted (C; older notation c.7563delC).
Protein change: p.Ser2522fs; shifts the reading frame from serine 2522.
Molecular consequence: frameshift variant.
Genome position (GRCh38, 1-based): chr13:32,356,555, C deleted. VCF-style (leftmost placement, unchanged base first): chr13-32356554-TC-T. GRCh37 (hg19) VCF-style: chr13-32930691-TC-T.
Other names: short protein forms S2522fs.
Identifiers: ClinVar variation 1416629 (VCV001416629.6), dbSNP rs2137563070, ClinGen allele CA2573149394.